The following is an entry in ClinVar:

NM_001167.4(XIAP):c.*1393G>A

Gene: XIAP (X-linked inhibitor of apoptosis; plus strand). Cytogenetic location: Xq25.
Variant type: single nucleotide variant.
Coding change: c.*1393G>A on transcript NM_001167.4 (MANE Select); 1393 bases downstream of the stop codon, G replaced by A.
Molecular consequence: 3 prime UTR variant. On other transcripts: non-coding transcript variant (2).
Genome position (GRCh38, 1-based): chrX:123,908,574, G>A. VCF-style: chrX-123908574-G-A. GRCh37 (hg19) VCF-style: chrX-123042424-G-A.
Other names: c.*1393G>A (NM_001204401.2, NM_001378590.1, NM_001378591.1 and 1 more transcripts).
Identifiers: ClinVar variation 367805 (VCV000367805.6), dbSNP rs28382744, ClinGen allele CA10508257.

ClinVar aggregate classification (germline): Benign. Review status: criteria provided, multiple submitters, no conflicts (2 of 4 stars). 2 submissions from 2 submitters: Benign (2). Last evaluated 2017-04-27.

Conditions:
X-linked lymphoproliferative disease due to XIAP deficiency. Also called: XIAP DEFICIENCY; XIAP-Related Lymphoproliferative Disease, X-Linked. Identifiers: Orphanet 2442, Orphanet 538934, MedGen C1845076, MONDO:0010385, OMIM 300635.

Allele frequency attached by ClinVar (database versions not stated): gnomAD 0.16288 and 0.17136; TOPMed 0.16620; 1000 Genomes Project 30x 0.22518; gnomAD exomes 0.23565; 1000 Genomes Project 0.23682; ExAC 0.32702.
gnomAD v4.1: 75,633 of 356,799 alleles (21%); highest among the groups gnomAD compares: South Asian, 39%; 5,499 homozygotes.

Submissions (2):

Illumina Laboratory Services, Illumina
Classification: Benign for X-linked lymphoproliferative disease due to XIAP deficiency. Last evaluated: 2017-04-27. Review status: criteria provided, single submitter. Criteria: ICSL Variant Classification Criteria 13 December 2019. Collection method: clinical testing. Allele origin: germline.
Comment: This variant was observed as part of a predisposition screen in an ostensibly healthy population. A literature search was performed for the gene, cDNA change, and amino acid change (where applicable). No publications were found based on this search. Allele frequency data from public databases was too high to be consistent with this variant causing disease. Therefore, this variant is classified as benign.

Breakthrough Genomics
Classification: Benign. Review status: criteria provided, single submitter. Criteria: ACMG Guidelines, 2015. Collection method: not provided. Allele origin: germline. Inheritance: X-linked inheritance. Affected: yes.